The following is an entry in ClinVar:

NM_000093.5(COL5A1):c.841G>A (p.Glu281Lys)

Gene: COL5A1 (collagen type V alpha 1 chain; plus strand). Cytogenetic location: 9q34.3.
Variant type: single nucleotide variant.
Coding change: c.841G>A on transcript NM_000093.5 (MANE Select); coding-DNA position 841, G replaced by A.
Protein change: p.Glu281Lys; replaces glutamic acid 281 with lysine.
Molecular consequence: missense variant.
Genome position (GRCh38, 1-based): chr9:134,728,724, G>A. VCF-style: chr9-134728724-G-A. GRCh37 (hg19) VCF-style: chr9-137620570-G-A.
Other names: c.841G>A, p.Glu281Lys (NM_001278074.1); c.841G>A (NM_000093.3); short protein forms E281K.
Identifiers: ClinVar variation 2913454 (VCV002913454.5), dbSNP rs1400424598, ClinGen allele CA375447140.

ClinVar aggregate classification (germline): Uncertain significance. Review status: criteria provided, multiple submitters, no conflicts (2 of 4 stars). 3 submissions from 3 submitters: Uncertain significance (3). Last evaluated 2025-12-01.

Conditions:
Familial thoracic aortic aneurysm and aortic dissection (TAAD). Also called: Thoracic aortic aneurysms and dissections. Identifiers: Orphanet 91387, MedGen C4707243, MONDO:0019625.
Ehlers-Danlos syndrome, classic type, 1 (EDSCL1). Also called: EDS I; EHLERS-DANLOS SYNDROME, GRAVIS TYPE; EHLERS-DANLOS SYNDROME, SEVERE CLASSIC TYPE; Ehlers-Danlos syndrome, type 1; Ehlers-Danlos Syndrome, Classic Type, COL5A1-Related. Identifiers: MedGen C0268335, MONDO:0019567, OMIM 130000.

Allele frequency attached by ClinVar (database versions not stated): gnomAD 0.00001; TOPMed 0.00001; gnomAD exomes 0.00001.
gnomAD v4.1: 13 of 1,614,050 alleles (0.00081%); highest among the groups gnomAD compares: Admixed American, 0.0017%; no homozygotes.

Submissions (3):

Labcorp Genetics (formerly Invitae), Labcorp
Classification: Uncertain significance for Ehlers-Danlos syndrome, classic type, 1. Last evaluated: 2025-12-01. Review status: criteria provided, single submitter. Criteria: Invitae Variant Classification Sherloc (09022015). Collection method: clinical testing. Allele origin: germline.
Comment: This sequence change replaces glutamic acid, which is acidic and polar, with lysine, which is basic and polar, at codon 281 of the COL5A1 protein (p.Glu281Lys). This variant is not present in population databases (gnomAD no frequency). This variant has not been reported in the literature in individuals affected with COL5A1-related conditions. ClinVar contains an entry for this variant (Variation ID: 2913454). Invitae Evidence Modeling of protein sequence and biophysical properties (such as structural, functional, and spatial information, amino acid conservation, physicochemical variation, residue mobility, and thermodynamic stability) indicates that this missense variant is not expected to disrupt COL5A1 protein function with a negative predictive value of 95%. In summary, the available evidence is currently insufficient to determine the role of this variant in disease. Therefore, it has been classified as a Variant of Uncertain Significance.

GeneDx
Classification: Uncertain significance. Last evaluated: 2024-07-16. Review status: criteria provided, single submitter. Criteria: GeneDx Variant Classification Process June 2021. Collection method: clinical testing. Allele origin: germline. Affected: yes.
Comment: Not observed at significant frequency in large population cohorts (gnomAD); In silico analysis indicates that this missense variant does not alter protein structure/function; Has not been previously published as pathogenic or benign to our knowledge; Not located in the triple helical region, where the majority of pathogenic missense variants occur (PMID: 22696272; HGMD); This variant is associated with the following publications: (PMID: 22696272)

Ambry Genetics
Classification: Uncertain significance for Familial thoracic aortic aneurysm and aortic dissection. Last evaluated: 2023-11-03. Review status: criteria provided, single submitter. Criteria: Ambry Variant Classification Scheme 2023. Collection method: clinical testing. Allele origin: germline.
Comment: The p.E281K variant (also known as c.841G>A), located in coding exon 6 of the COL5A1 gene, results from a G to A substitution at nucleotide position 841. The glutamic acid at codon 281 is replaced by lysine, an amino acid with similar properties. This amino acid position is well conserved in available vertebrate species. In addition, the in silico prediction for this alteration is inconclusive. Since supporting evidence is limited at this time, the clinical significance of this alteration remains unclear.